The following is an entry in ClinVar:

ClinVar aggregate classification (germline): Pathogenic. Review status: criteria provided, multiple submitters, no conflicts (2 of 4 stars). 3 submissions from 3 submitters: Pathogenic (3). Last evaluated 2022-09-12.

Conditions:
Hypertrophic cardiomyopathy. Also called: HYPERTROPHIC MYOCARDIOPATHY. Identifiers: Orphanet 217569, MedGen C0007194, MeSH D002312, MONDO:0005045, HP:0001639.
Cardiovascular phenotype. Identifiers: MedGen CN230736.

Submissions (3):

Labcorp Genetics (formerly Invitae), Labcorp
Classification: Pathogenic for Hypertrophic cardiomyopathy. Last evaluated: 2022-09-12. Review status: criteria provided, single submitter. Criteria: Invitae Variant Classification Sherloc (09022015). Collection method: clinical testing. Allele origin: germline.
Comment: This variant has not been reported in the literature in individuals affected with MYBPC3-related conditions. This variant is not present in population databases (gnomAD no frequency). This sequence change creates a premature translational stop signal (p.Val634Serfs*29) in the MYBPC3 gene. It is expected to result in an absent or disrupted protein product. Loss-of-function variants in MYBPC3 are known to be pathogenic (PMID: 19574547). ClinVar contains an entry for this variant (Variation ID: 1195305). For these reasons, this variant has been classified as Pathogenic.

GeneDx
Classification: Pathogenic. Last evaluated: 2020-07-06. Review status: criteria provided, single submitter. Criteria: GeneDx Variant Classification Process June 2021. Collection method: clinical testing. Allele origin: germline. Affected: yes.
Comment: Reported in one patient from the SHaRe registry (Sarcomeric Human Cardiomyopathy Registry); however, specific clinical information was not provided (Ho et al., 2018); Not observed in large population cohorts (Lek et al., 2016); Frameshift variant predicted to result in protein truncation or nonsense mediated decay in a gene for which loss-of-function is a known mechanism of disease; This variant is associated with the following publications: (PMID: 30297972)

Ambry Genetics
Classification: Pathogenic for Cardiovascular phenotype. Last evaluated: 2019-10-23. Review status: criteria provided, single submitter. Criteria: Ambry Variant Classification Scheme 2023. Collection method: clinical testing. Allele origin: germline.
Comment: The c.1900delG pathogenic mutation, located in coding exon 20 of the MYBPC3 gene, results from a deletion of one nucleotide at nucleotide position 1900, causing a translational frameshift with a predicted alternate stop codon (p.V634Sfs*29). This alteration is expected to result in loss of function by premature protein truncation or nonsense-mediated mRNA decay. As such, this alteration is interpreted as a disease-causing mutation.

Literature cited by the submitters: PubMed 19574547 (cited by Labcorp Genetics (formerly Invitae), Labcorp).

NM_000256.3(MYBPC3):c.1900del (p.Val634fs)

Gene: MYBPC3 (myosin binding protein C3; minus strand). Cytogenetic location: 11p11.2.
Variant type: Deletion.
Coding change: c.1900del on transcript NM_000256.3 (MANE Select); coding-DNA position 1900, one base deleted (G; older notation c.1900delG).
Protein change: p.Val634fs; shifts the reading frame from valine 634.
Molecular consequence: frameshift variant.
Genome position (GRCh38, 1-based): chr11:47,341,030, C deleted on the plus strand (G on the coding strand, the reverse complement: MYBPC3 is on the minus strand); the first of 2 consecutive C bases (chr11:47,341,030-47,341,031); deleting either gives the same sequence. VCF-style (leftmost placement, unchanged base first): chr11-47341029-AC-A. GRCh37 (hg19) VCF-style: chr11-47362580-AC-A.
Other names: c.1900delG (NM_000256.3); short protein forms V634fs.
Identifiers: ClinVar variation 1195305 (VCV001195305.9), dbSNP rs2142859074, ClinGen allele CA2499220969.